The following is an entry in ClinVar:

ClinVar aggregate classification (germline): Uncertain significance (1 of 4 stars; one submission).

Conditions:
Retinoblastoma (RB1). Also called: RETINOBLASTOMA, SOMATIC. Identifiers: Orphanet 790, MedGen C0035335, MeSH D012175, MONDO:0008380, OMIM 180200, HP:0009919. Disease mechanism: loss of function. Inheritance: Both sporadic and heritable forms are tested..

Submission:

Labcorp Genetics (formerly Invitae), Labcorp
Classification: Uncertain significance for Retinoblastoma. Last evaluated: 2025-05-23. Review status: criteria provided, single submitter. Criteria: Invitae Variant Classification Sherloc (09022015). Collection method: clinical testing. Allele origin: germline.
Comment: This variant occurs in a non-coding region of the RB1 gene. It does not change the encoded amino acid sequence of the RB1 protein. This variant is not present in population databases (gnomAD no frequency). This variant has not been reported in the literature in individuals affected with RB1-related conditions. Experimental studies and prediction algorithms are not available or were not evaluated, and the functional significance of this variant is currently unknown. In summary, the available evidence is currently insufficient to determine the role of this variant in disease. Therefore, it has been classified as a Variant of Uncertain Significance.

NC_000013.11:g.48303680G>A

Genes: RB1 (RB transcriptional corepressor 1; plus strand), RB1-DT (RB1 divergent transcript; minus strand). Cytogenetic location: 13q14.2.
Variant type: single nucleotide variant.
Molecular consequence: non-coding transcript variant (on NR_046414.2).
Genome position: GRCh38 VCF-style: chr13-48303680-G-A. GRCh37 (hg19) VCF-style: chr13-48877816-G-A.
Identifiers: ClinVar variation 3607958 (VCV003607958.2).
Genomic context (GRCh38, chr13:48,303,680, plus strand): 5'-CATGACTTAGCGTCCCAGCCCGCGCACCGACCAGCGCCCCAGTTCCCCACAGACGCCGGC[G>A]GGCCCGGGAGCCTCGCGGACGTGACGCCGCGGGCGGAAGTGACGTTTTCCCGCGGTTGGA-3'